The following is an entry in ClinVar:

ClinVar aggregate classification (germline): Pathogenic (1 of 4 stars; one submission).

Allele frequency attached by ClinVar (database versions not stated): gnomAD exomes 0.00001.
gnomAD v4.1: 3 of 1,614,172 alleles (0.00019%); highest among the groups gnomAD compares: Non-Finnish European, 0.00025%; no homozygotes.

Submission:

Labcorp Genetics (formerly Invitae), Labcorp
Classification: Pathogenic. Last evaluated: 2023-12-02. Review status: criteria provided, single submitter. Criteria: Invitae Variant Classification Sherloc (09022015). Collection method: clinical testing. Allele origin: germline.
Comment: This sequence change creates a premature translational stop signal (p.Tyr1296*) in the LAMA1 gene. It is expected to result in an absent or disrupted protein product. Loss-of-function variants in LAMA1 are known to be pathogenic (PMID: 25105227, 26932191). This variant is present in population databases (no rsID available, gnomAD 0.03%). This variant has not been reported in the literature in individuals affected with LAMA1-related conditions. For these reasons, this variant has been classified as Pathogenic.

Literature cited by the submitters: PubMed 25105227; PubMed 26932191.

NM_005559.4(LAMA1):c.3888T>A (p.Tyr1296Ter)

Gene: LAMA1 (laminin subunit alpha 1; minus strand). Cytogenetic location: 18p11.31.
Variant type: single nucleotide variant.
Coding change: c.3888T>A on transcript NM_005559.4 (MANE Select); coding-DNA position 3888, T replaced by A.
Protein change: p.Tyr1296Ter; replaces tyrosine 1296 with a stop codon.
Molecular consequence: nonsense.
Genome position (GRCh38, 1-based): chr18:7,009,352, A>T on the plus strand (T>A on the coding strand, the complement: LAMA1 is on the minus strand). VCF-style: chr18-7009352-A-T. GRCh37 (hg19) VCF-style: chr18-7009351-A-T.
Other names: short protein forms Y1296*.
Identifiers: ClinVar variation 2699129 (VCV002699129.3), dbSNP rs528584765, ClinGen allele CA401848075.